The following is an entry in ClinVar:

NM_153704.6(TMEM67):c.274G>A (p.Gly92Arg)

Gene: TMEM67 (transmembrane protein 67; plus strand). Cytogenetic location: 8q22.1.
Variant type: single nucleotide variant.
Coding change: c.274G>A on transcript NM_153704.6 (MANE Select); coding-DNA position 274, G replaced by A.
Protein change: p.Gly92Arg; replaces glycine 92 with arginine.
Molecular consequence: missense variant. On other transcripts: non-coding transcript variant (1), intron variant (1).
Genome position (GRCh38, 1-based): chr8:93,755,828, G>A. VCF-style: chr8-93755828-G-A. GRCh37 (hg19) VCF-style: chr8-94768056-G-A.
Other names: c.-62+691G>A (NM_001142301.1); short protein forms G92R.
Identifiers: ClinVar variation 3339385 (VCV003339385.1).

ClinVar aggregate classification (germline): Pathogenic (1 of 4 stars; one submission).

Conditions:
Joubert syndrome and related disorders. Identifiers: Orphanet 140874, MedGen C5679612, MONDO:0015369.

gnomAD v4.1: 7 of 1,591,520 alleles (0.00044%); highest among the groups gnomAD compares: South Asian, 0.0069%; no homozygotes.

Submission:

Women's Health and Genetics/Laboratory Corporation of America, LabCorp
Classification: Pathogenic for Joubert syndrome and related disorders. Last evaluated: 2024-07-31. Review status: criteria provided, single submitter. Criteria: LabCorp Variant Classification Summary - May 2015. Collection method: clinical testing. Allele origin: germline.
Comment: Variant summary: TMEM67 c.274G>A (p.Gly92Arg) results in a non-conservative amino acid change in the encoded protein sequence. Four of five in-silico tools predict a damaging effect of the variant on protein function. The variant allele was found at a frequency of 1.6e-05 in 246784 control chromosomes. c.274G>A has been reported in the literature in the homozygous and compound heterozygous states multiple individuals affected with Joubert Syndrome And Related Disorders (e.g. Szymanska_20012, Park_2016, Konig_2022). These data indicate that the variant is very likely to be associated with disease. To our knowledge, no experimental evidence demonstrating an impact on protein function has been reported. The following publications have been ascertained in the context of this evaluation (PMID: 36090483, 26260382, 23351400). No submitters have cited clinical-significance assessments for this variant to ClinVar. Based on the evidence outlined above, the variant was classified as pathogenic.

Literature cited by the submitters: PubMed 23351400; PubMed 36090483; PubMed 26260382.